The following is an entry in ClinVar:

NM_015909.4(NBAS):c.941A>C (p.Gln314Pro)

Gene: NBAS (NBAS subunit of NRZ tethering complex; minus strand). Cytogenetic location: 2p24.3.
Variant type: single nucleotide variant.
Coding change: c.941A>C on transcript NM_015909.4 (MANE Select); coding-DNA position 941, A replaced by C.
Protein change: p.Gln314Pro; replaces glutamine 314 with proline.
Molecular consequence: missense variant. On other transcripts: non-coding transcript variant (1).
Genome position (GRCh38, 1-based): chr2:15,504,158, T>G on the plus strand (A>C on the coding strand, the complement: NBAS is on the minus strand). VCF-style: chr2-15504158-T-G. GRCh37 (hg19) VCF-style: chr2-15644282-T-G.
Other names: short protein forms Q314P.
Identifiers: ClinVar variation 1391171 (VCV001391171.8), dbSNP rs2148636345, ClinGen allele CA345896700.

ClinVar aggregate classification (germline): Uncertain significance (1 of 4 stars; one submission).

gnomAD v4.1: 1 of 1,613,450 alleles (0.000062%); highest among the groups gnomAD compares: Non-Finnish European, 0.000085%; no homozygotes.

Submission:

Labcorp Genetics (formerly Invitae), Labcorp
Classification: Uncertain significance. Last evaluated: 2020-11-19. Review status: criteria provided, single submitter. Criteria: Invitae Variant Classification Sherloc (09022015). Collection method: clinical testing. Allele origin: germline.
Comment: In summary, the available evidence is currently insufficient to determine the role of this variant in disease. Therefore, it has been classified as a Variant of Uncertain Significance. Algorithms developed to predict the effect of missense changes on protein structure and function output the following: SIFT: "Deleterious"; PolyPhen-2: "Benign"; Align-GVGD: "Class C65". The proline amino acid residue is found in multiple mammalian species, suggesting that this missense change does not adversely affect protein function. These predictions have not been confirmed by published functional studies and their clinical significance is uncertain. This variant has not been reported in the literature in individuals with NBAS-related conditions. This variant is not present in population databases (ExAC no frequency). This sequence change replaces glutamine with proline at codon 314 of the NBAS protein (p.Gln314Pro). The glutamine residue is highly conserved and there is a moderate physicochemical difference between glutamine and proline.